The following is an entry in ClinVar:

ClinVar aggregate classification (germline): Uncertain significance (1 of 4 stars; one submission).

Conditions:
Glycogen storage disease type III (GSD3). Also called: Cori disease; FORBES DISEASE. Identifiers: Orphanet 366, MedGen C0017922, MONDO:0009291, OMIM 232400.

Submission:

Neuberg Centre For Genomic Medicine, NCGM
Classification: Uncertain significance for Glycogen storage disease type III. Review status: criteria provided, single submitter. Criteria: ACMG Guidelines, 2015. Collection method: clinical testing. Allele origin: germline. Inheritance: Autosomal recessive inheritance. Affected: yes.
Comment: The inframe deletion variant in c.634_636del (p.Cys212del)in AGL gene has not been reported previously as a pathogenic variant nor as a benign variant, to our knowledge. The p.Cys212del variant is novel (not in any individuals) in gnomAD Exomes and 1000 Genomes. This p.Cys212del causes deletion of amino acid Cysteine at position 212. The variant is predicted to be damaging by both SIFT and PolyPhen2. The residue is conserved across species. For these reasons, this variant has been classified as Uncertain Significance.

NM_000642.3(AGL):c.634_636del (p.Cys212del)

Gene: AGL (amylo-alpha-1,6-glucosidase and 4-alpha-glucanotransferase; plus strand). Cytogenetic location: 1p21.2.
Variant type: Deletion.
Coding change: c.634_636del on transcript NM_000642.3 (MANE Select); coding-DNA positions 634 to 636, 3 bases deleted (TGT; older notation c.634_636delTGT).
Protein change: p.Cys212del; deletes cysteine 212.
Molecular consequence: inframe deletion. On other transcripts: inframe indel (8).
Genome position (GRCh38, 1-based): chr1:99,864,559-99,864,561, TGT deleted; deleting any 3 consecutive bases within chr1:99,864,558-99,864,561 gives the same sequence; the c. name uses the placement nearest the transcript's 3' end. VCF-style (leftmost placement, unchanged base first): chr1-99864557-TTTG-T. GRCh37 (hg19) VCF-style: chr1-100330113-TTTG-T.
Other names: c.634_636delTGT, p.Cys212del (NM_000028.3, NM_000643.3, NM_000644.3 and 3 more transcripts); c.586_588delTGT, p.Cys196del (NM_000646.3); c.256_258delTGT, p.Cys86del (NM_001425332.1); short protein forms C212del, C196del, C86del.
Identifiers: ClinVar variation 2585268 (VCV002585268.1), dbSNP rs2524518230, ClinGen allele CA2582341922.